The following is an entry in ClinVar:

NM_198859.4(PRICKLE2):c.1189C>T (p.Arg397Trp)

Gene: PRICKLE2 (prickle planar cell polarity protein 2; minus strand). Cytogenetic location: 3p14.1.
Variant type: single nucleotide variant.
Coding change: c.1189C>T on transcript NM_198859.4 (MANE Select); coding-DNA position 1189, C replaced by T.
Protein change: p.Arg397Trp; replaces arginine 397 with tryptophan.
Molecular consequence: missense variant.
Genome position (GRCh38, 1-based): chr3:64,147,301, G>A on the plus strand (C>T on the coding strand, the complement: PRICKLE2 is on the minus strand). VCF-style: chr3-64147301-G-A. GRCh37 (hg19) VCF-style: chr3-64132977-G-A.
Other names: c.1189C>T, p.Arg397Trp (NM_001370528.1); short protein forms R397W.
Identifiers: ClinVar variation 2806004 (VCV002806004.3), dbSNP rs1559539086, ClinGen allele CA353430670.

ClinVar aggregate classification (germline): Uncertain significance (1 of 4 stars; one submission).

Conditions:
Progressive myoclonic epilepsy type 5. Identifiers: Orphanet 402082, MedGen C5190799.

Allele frequency attached by ClinVar (database versions not stated): gnomAD exomes 0.00001.
gnomAD v4.1: 9 of 1,613,600 alleles (0.00056%); highest among the groups gnomAD compares: South Asian, 0.0011%; no homozygotes.

Submission:

Labcorp Genetics (formerly Invitae), Labcorp
Classification: Uncertain significance for Progressive myoclonic epilepsy type 5. Last evaluated: 2024-01-22. Review status: criteria provided, single submitter. Criteria: Invitae Variant Classification Sherloc (09022015). Collection method: clinical testing. Allele origin: germline.
Comment: This sequence change replaces arginine, which is basic and polar, with tryptophan, which is neutral and slightly polar, at codon 397 of the PRICKLE2 protein (p.Arg397Trp). This variant is not present in population databases (gnomAD no frequency). This variant has not been reported in the literature in individuals affected with PRICKLE2-related conditions. Advanced modeling of protein sequence and biophysical properties (such as structural, functional, and spatial information, amino acid conservation, physicochemical variation, residue mobility, and thermodynamic stability) performed at Invitae indicates that this missense variant is not expected to disrupt PRICKLE2 protein function with a negative predictive value of 80%. In summary, the available evidence is currently insufficient to determine the role of this variant in disease. Therefore, it has been classified as a Variant of Uncertain Significance.